The following is an entry in ClinVar:

NM_004655.4(AXIN2):c.1499T>G (p.Leu500Arg)

Gene: AXIN2 (axin 2; minus strand). Cytogenetic location: 17q24.1.
Variant type: single nucleotide variant.
Coding change: c.1499T>G on transcript NM_004655.4 (MANE Select); coding-DNA position 1499, T replaced by G.
Protein change: p.Leu500Arg; replaces leucine 500 with arginine.
Molecular consequence: missense variant.
Genome position (GRCh38, 1-based): chr17:65,537,537, A>C on the plus strand (T>G on the coding strand, the complement: AXIN2 is on the minus strand). VCF-style: chr17-65537537-A-C. GRCh37 (hg19) VCF-style: chr17-63533655-A-C.
Other names: c.1499T>G, p.Leu500Arg (NM_001363813.1); short protein forms L500R.
Identifiers: ClinVar variation 848948 (VCV000848948.13), dbSNP rs758413474, ClinGen allele CA8718629.

ClinVar aggregate classification (germline): Uncertain significance. Review status: criteria provided, multiple submitters, no conflicts (2 of 4 stars). 3 submissions from 3 submitters: Uncertain significance (3). Last evaluated 2025-08-23.

Conditions:
Hereditary cancer-predisposing syndrome. Also called: Tumor predisposition; Neoplastic Syndromes, Hereditary; Hereditary neoplastic syndrome; Hereditary Cancer Syndrome. Identifiers: Orphanet 140162, MedGen C0027672, MeSH D009386, MONDO:0015356.
Oligodontia-cancer predisposition syndrome. Also called: TOOTH AGENESIS-COLORECTAL CANCER SYNDROME. Identifiers: Orphanet 300576, MedGen C1837750, MONDO:0012075, OMIM 608615. Disease mechanism: loss of function.

Allele frequency attached by ClinVar (database versions not stated): gnomAD exomes below 0.00001 and 0.00001; ExAC 0.00001; gnomAD 0.00001; TOPMed 0.00001.

Submissions (3):

Ambry Genetics
Classification: Uncertain significance for Hereditary cancer-predisposing syndrome. Last evaluated: 2025-08-23. Review status: criteria provided, single submitter. Criteria: Ambry Variant Classification Scheme 2023. Collection method: clinical testing. Allele origin: germline.
Comment: The p.L500R variant (also known as c.1499T>G), located in coding exon 5 of the AXIN2 gene, results from a T to G substitution at nucleotide position 1499. The leucine at codon 500 is replaced by arginine, an amino acid with dissimilar properties. This amino acid position is conserved. In addition, this alteration is predicted to be tolerated by in silico analysis. Based on the available evidence, the clinical significance of this variant remains unclear.

Labcorp Genetics (formerly Invitae), Labcorp
Classification: Uncertain significance for Oligodontia-cancer predisposition syndrome. Last evaluated: 2022-06-09. Review status: criteria provided, single submitter. Criteria: Invitae Variant Classification Sherloc (09022015). Collection method: clinical testing. Allele origin: germline.
Comment: This variant is present in population databases (rs758413474, gnomAD 0.01%). This sequence change replaces leucine, which is neutral and non-polar, with arginine, which is basic and polar, at codon 500 of the AXIN2 protein (p.Leu500Arg). This variant has not been reported in the literature in individuals affected with AXIN2-related conditions. In summary, the available evidence is currently insufficient to determine the role of this variant in disease. Therefore, it has been classified as a Variant of Uncertain Significance. Algorithms developed to predict the effect of missense changes on protein structure and function are either unavailable or do not agree on the potential impact of this missense change (SIFT: "Tolerated"; PolyPhen-2: "Possibly Damaging"; Align-GVGD: "Class C0"). ClinVar contains an entry for this variant (Variation ID: 848948).

GeneDx
Classification: Uncertain significance. Last evaluated: 2022-01-27. Review status: criteria provided, single submitter. Criteria: GeneDx Variant Classification Process June 2021. Collection method: clinical testing. Allele origin: germline. Affected: yes.
Comment: Not observed at significant frequency in large population cohorts (gnomAD); In silico analysis supports that this missense variant does not alter protein structure/function; Has not been previously published as pathogenic or benign to our knowledge